The following is an entry in ClinVar:

NM_007194.4(CHEK2):c.400G>A (p.Asp134Asn)

Gene: CHEK2 (checkpoint kinase 2; minus strand). Cytogenetic location: 22q12.1.
Variant type: single nucleotide variant.
Coding change: c.400G>A on transcript NM_007194.4 (MANE Select); coding-DNA position 400, G replaced by A.
Protein change: p.Asp134Asn; replaces aspartic acid 134 with asparagine.
Molecular consequence: missense variant.
Genome position (GRCh38, 1-based): chr22:28,725,287, C>T on the plus strand (G>A on the coding strand, the complement: CHEK2 is on the minus strand). VCF-style: chr22-28725287-C-T. GRCh37 (hg19) VCF-style: chr22-29121275-C-T.
Other names: c.529G>A, p.Asp177Asn (NM_001005735.3); c.-378G>A (NM_001257387.3); c.400G>A, p.Asp134Asn (NM_001349956.3, NM_145862.3); short protein forms D134N, D177N.
Identifiers: ClinVar variation 2762618 (VCV002762618.1), dbSNP rs372874441, ClinGen allele CA411108012.

ClinVar aggregate classification (germline): Uncertain significance (1 of 4 stars; one submission).

Conditions:
Familial cancer of breast. Also called: Hereditary breast cancer; BREAST CANCER, FAMILIAL; hereditary breast carcinoma. Identifiers: Orphanet 227535, MedGen C0346153, MONDO:0016419, OMIM 114480. Disease mechanism: loss of function.

Submission:

Labcorp Genetics (formerly Invitae), Labcorp
Classification: Uncertain significance for Familial cancer of breast. Last evaluated: 2023-09-22. Review status: criteria provided, single submitter. Criteria: Invitae Variant Classification Sherloc (09022015). Collection method: clinical testing. Allele origin: germline.
Comment: In summary, the available evidence is currently insufficient to determine the role of this variant in disease. Therefore, it has been classified as a Variant of Uncertain Significance. An algorithm developed to predict the effect of missense changes on protein structure and function (PolyPhen-2) suggests that this variant¬†is likely to be tolerated. This variant has not been reported in the literature in individuals affected with CHEK2-related conditions. This variant is not present in population databases (gnomAD no frequency). This sequence change replaces aspartic acid, which is acidic and polar, with asparagine, which is neutral and polar, at codon 134 of the CHEK2 protein (p.Asp134Asn).